The following is an entry in ClinVar:

ClinVar aggregate classification (germline): Benign/Likely benign. Review status: criteria provided, multiple submitters, no conflicts (2 of 4 stars). 3 submissions from 3 submitters: Benign (1); Likely benign (2). Last evaluated 2025-12-09.

Conditions:
Inborn genetic diseases. Identifiers: MedGen C0950123, MeSH D030342.
Developmental and epileptic encephalopathy, 12 (DEE12). Identifiers: MedGen C3150988, MONDO:0013389, OMIM 613722.

Allele frequency attached by ClinVar (database versions not stated): gnomAD exomes 0.00008; gnomAD 0.00013; ExAC 0.00017; TOPMed 0.00018; ESP Exome Variant Server 0.00031; 1000 Genomes Project 0.00060.
gnomAD v4.1: 60 of 1,583,970 alleles (0.0038%); highest among the groups gnomAD compares: African/African-American, 0.069%; no homozygotes.

Submissions (3):

Labcorp Genetics (formerly Invitae), Labcorp
Classification: Likely benign for Developmental and epileptic encephalopathy, 12. Last evaluated: 2025-12-09. Review status: criteria provided, single submitter. Criteria: Invitae Variant Classification Sherloc (09022015). Collection method: clinical testing. Allele origin: germline.

Ambry Genetics
Classification: Likely benign for Inborn genetic diseases. Last evaluated: 2017-02-28. Review status: criteria provided, single submitter. Criteria: Ambry Variant Classification Scheme 2023. Collection method: clinical testing. Allele origin: germline.

GeneDx
Classification: Benign. Last evaluated: 2014-05-08. Review status: criteria provided, single submitter. Criteria: GeneDx Variant Classification (06012015). Collection method: clinical testing. Allele origin: germline. Affected: yes.
Comment: This variant is considered likely benign or benign based on one or more of the following criteria: it is a conservative change, it occurs at a poorly conserved position in the protein, it is predicted to be benign by multiple in silico algorithms, and/or has population frequency not consistent with disease.

NM_007254.4(PNKP):c.1257C>T (p.Val419=)

Gene: PNKP (polynucleotide kinase 3'-phosphatase; minus strand). Cytogenetic location: 19q13.33.
Variant type: single nucleotide variant.
Coding change: c.1257C>T on transcript NM_007254.4 (MANE Select); coding-DNA position 1257, C replaced by T.
Protein change: p.Val419=; no amino-acid change (valine 419 retained).
Molecular consequence: synonymous variant.
Genome position (GRCh38, 1-based): chr19:49,861,813, G>A on the plus strand (C>T on the coding strand, the complement: PNKP is on the minus strand). VCF-style: chr19-49861813-G-A. GRCh37 (hg19) VCF-style: chr19-50365070-G-A.
Other names: p.V419V:GTC>GTT.
Identifiers: ClinVar variation 138720 (VCV000138720.16), dbSNP rs369003964, ClinGen allele CA292801.
Genomic context (GRCh38, chr19:49,861,813, plus strand): 5'-GGCCCCGCGGTCACGCTACCTGGCGCGGCTCGCGGCGTCTGGGTTTGTGTTGTCGATGGC[G>A]ACCCGTTTCCCTTGCTTCAGGGCTGTCTCACACGTGGTCACACAGCGCTGCCAGGAGCCT-3'
Protein context (NP_009185.2, residues 409-429): CETALKQGKR[Val419=]AIDNTNPDAA